The following is an entry in ClinVar:

NM_000091.5(COL4A3):c.334G>A (p.Gly112Ser)

Genes: MFF-DT (MFF divergent transcript; minus strand), COL4A3 (collagen type IV alpha 3 chain; plus strand). Cytogenetic location: 2q36.3.
Variant type: single nucleotide variant.
Coding change: c.334G>A on transcript NM_000091.5 (MANE Select); coding-DNA position 334, G replaced by A.
Protein change: p.Gly112Ser; replaces glycine 112 with serine.
Molecular consequence: missense variant.
Genome position (GRCh38, 1-based): chr2:227,245,963, G>A. VCF-style: chr2-227245963-G-A. GRCh37 (hg19) VCF-style: chr2-228110679-G-A.
Other names: short protein forms G112S.
Identifiers: ClinVar variation 4817249 (VCV004817249.1).
Genomic context (GRCh38, chr2:227,245,963, plus strand): 5'-AGTGCTGTTTCTTGGGATGACCCTCCTCATTGAGACTTGTTCTTCTTCCAGGGCACCCCA[G>A]GCAATACCGGGCCTTACGGACTTGTCGGTGTACCAGGATGCAGTGGTTCTAAGGTAAGTA-3'
Protein context (NP_000082.2, residues 102-122): SGSPGLPGTP[Gly112Ser]NTGPYGLVGV

ClinVar aggregate classification (germline): Likely pathogenic (1 of 4 stars; one submission).

Conditions:
Alport syndrome. Also called: Hemorrhagic familial nephritis; Hemorrhagic hereditary nephritis; Congenital hereditary hematuria. Identifiers: Orphanet 63, MedGen C1567741, MONDO:0018965.

Submission:

Natera, Inc.
Classification: Likely pathogenic for Alport syndrome. Last evaluated: 2025-08-26. Review status: criteria provided, single submitter. Criteria: Natera Variant Classification Schema (03/2026). Collection method: clinical testing. Allele origin: germline.
Comment: The c.334G>A variant in COL4A3 is a missense variant predicted to cause substitution of glycine to serine at amino acid 112. This variant is rare in the general population with a frequency below the threshold expected for the associated phenotype(s). This variant is located in a functionally critical region of the protein. Computational prediction algorithms indicate this variant is likely to affect gene or protein function. Given the available evidence, this variant is classified as Likely Pathogenic.